The following is an entry in ClinVar:

ClinVar aggregate classification (germline): Uncertain significance (1 of 4 stars; one submission).

Allele frequency attached by ClinVar (database versions not stated): gnomAD exomes below 0.00001.
gnomAD v4.1: 1 of 1,613,528 alleles (0.000062%); highest among the groups gnomAD compares: Non-Finnish European, 0.000085%; no homozygotes.

Submission:

GeneDx
Classification: Uncertain significance. Last evaluated: 2023-02-07. Review status: criteria provided, single submitter. Criteria: GeneDx Variant Classification Process June 2021. Collection method: clinical testing. Allele origin: germline. Affected: yes.
Comment: Not observed at significant frequency in large population cohorts (gnomAD); In silico analysis supports that this missense variant has a deleterious effect on protein structure/function; Has not been previously published as pathogenic or benign to our knowledge

NM_001170629.2(CHD8):c.2849C>G (p.Ala950Gly)

Gene: CHD8 (chromodomain helicase DNA binding protein 8; minus strand). Cytogenetic location: 14q11.2.
Variant type: single nucleotide variant.
Coding change: c.2849C>G on transcript NM_001170629.2 (MANE Select); coding-DNA position 2849, C replaced by G.
Protein change: p.Ala950Gly; replaces alanine 950 with glycine.
Molecular consequence: missense variant.
Genome position (GRCh38, 1-based): chr14:21,406,914, G>C on the plus strand (C>G on the coding strand, the complement: CHD8 is on the minus strand). VCF-style: chr14-21406914-G-C. GRCh37 (hg19) VCF-style: chr14-21875073-G-C.
Other names: c.2012C>G, p.Ala671Gly (NM_020920.4); short protein forms A671G, A950G.
Identifiers: ClinVar variation 2574989 (VCV002574989.1), dbSNP rs2501917598, ClinGen allele CA388873940.